The following is an entry in ClinVar:

ClinVar aggregate classification (germline): Pathogenic. Review status: criteria provided, single submitter (1 of 4 stars). 2 submissions from 2 submitters: Pathogenic (1). 1 of the submissions does not count toward it.

Conditions:
Tarsal-carpal coalition syndrome. Identifiers: Orphanet 1412, MedGen C1861305, MONDO:0008521, OMIM 186570.
Symphalangism-brachydactyly syndrome (SYNS1). Also called: WL SYNDROME; Multiple synostoses syndrome 1; DEAFNESS-SYMPHALANGISM SYNDROME OF HERRMANN; FACIOAUDIOSYMPHALANGISM SYNDROME. Identifiers: Orphanet 3237, MedGen C0342282, MONDO:0008519, OMIM 186500.
Proximal symphalangism 1A. Also called: CUSHING SYMPHALANGISM; HEREDITARY ABSENCE OF THE PROXIMAL INTERPHALANGEAL JOINTS. Identifiers: Orphanet 3250, MedGen C3714899, MONDO:0020733, OMIM 185800.
Stapes ankylosis with broad thumbs and toes. Also called: ANKYLOSIS OF STAPES, HYPEROPIA, BROAD THUMBS, BROAD FIRST TOES, AND SYNDACTYLY; STAPES ANKYLOSIS SYNDROME WITHOUT SYMPHALANGISM; TEUNISSEN-CREMERS SYNDROME. Identifiers: Orphanet 140917, MedGen C1866656, MONDO:0008484, OMIM 184460.
Brachydactyly type B2 (BDB2). Identifiers: Orphanet 140908, MedGen C1969652, MONDO:0012658, OMIM 611377.

Submissions (2):

Juno Genomics, Hangzhou Juno Genomics, Inc
Classification: Pathogenic for Brachydactyly type B2; Symphalangism-brachydactyly syndrome; Stapes ankylosis with broad thumbs and toes; Proximal symphalangism 1A; Tarsal-carpal coalition syndrome. Review status: criteria provided, single submitter. Criteria: ACMG Guidelines, 2015. Collection method: clinical testing. Allele origin: germline. Affected: yes.
Comment: Absent from controls (or at extremely low frequency if recessive) in Genome Aggregation Database.;Null variant in a gene where loss of function (LOF) is a known mechanism of disease.;The prevalence of the variant in affected individuals is significantly increased compared to the prevalence in controls.

OMIM
Classification: Pathogenic for STAPES ANKYLOSIS SYNDROME WITHOUT SYMPHALANGISM. Last evaluated: 2002-09-01. Review status: no assertion criteria provided. Collection method: literature only. Allele origin: germline. Not counted in ClinVar's aggregate classification.

Literature cited by the submitters: PubMed 10069712 (cited by OMIM); PubMed 12089654 (cited by OMIM).

NM_005450.6(NOG):c.252dup (p.Glu85fs)

Gene: NOG (noggin; plus strand). Cytogenetic location: 17q22.
Variant type: Duplication.
Coding change: c.252dup on transcript NM_005450.6 (MANE Select); coding-DNA position 252, one base duplicated (C; older notation c.252dupC).
Protein change: p.Glu85fs; shifts the reading frame from glutamic acid 85.
Molecular consequence: frameshift variant.
Genome position (GRCh38, 1-based): chr17:56,594,475, C duplicated; the last of 6 consecutive C bases (chr17:56,594,470-56,594,475); duplicating any one gives the same sequence. VCF-style (leftmost placement, unchanged base first): chr17-56594469-G-GC. GRCh37 (hg19) VCF-style: chr17-54671830-G-GC.
Other names: short protein forms E85fs.
Identifiers: ClinVar variation 6705 (VCV000006705.2), dbSNP rs749247710, ClinGen allele CA8663159.